The following is an entry in ClinVar:

NM_014484.5(MOCS3):c.1179C>T (p.Ile393=)

Gene: MOCS3 (molybdenum cofactor synthesis 3; plus strand). Cytogenetic location: 20q13.13.
Variant type: single nucleotide variant.
Coding change: c.1179C>T on transcript NM_014484.5 (MANE Select); coding-DNA position 1179, C replaced by T.
Protein change: p.Ile393=; no amino-acid change (isoleucine 393 retained).
Molecular consequence: synonymous variant.
Genome position (GRCh38, 1-based): chr20:50,960,021, C>T. VCF-style: chr20-50960021-C-T. GRCh37 (hg19) VCF-style: chr20-49576558-C-T.
Identifiers: ClinVar variation 2863197 (VCV002863197.3), dbSNP rs1407384480, ClinGen allele CA511023270.
Genomic context (GRCh38, chr20:50,960,021, plus strand): 5'-CCCTCTGAAACATTTGGAACGCAGGGATGCGGAGAGCCTGAAACTCTTAAAAGAAGCAAT[C>T]TGGGAAGAGAAGCAGGGCACACAAGAAGGGGCTGCTGTCCCCATTTATGTGATTTGCAAA-3'
Protein context (NP_055299.1, residues 383-403): AESLKLLKEA[Ile393=]WEEKQGTQEG

ClinVar aggregate classification (germline): Uncertain significance (1 of 4 stars; one submission).

Allele frequency attached by ClinVar (database versions not stated): TOPMed below 0.00001; gnomAD 0.00001.

Submission:

Labcorp Genetics (formerly Invitae), Labcorp
Classification: Uncertain significance. Last evaluated: 2023-05-22. Review status: criteria provided, single submitter. Criteria: Invitae Variant Classification Sherloc (09022015). Collection method: clinical testing. Allele origin: germline.
Comment: In summary, the available evidence is currently insufficient to determine the role of this variant in disease. Therefore, it has been classified as a Variant of Uncertain Significance. This variant has not been reported in the literature in individuals affected with MOCS3-related conditions. This variant is not present in population databases (gnomAD no frequency). This sequence change affects codon 393 of the MOCS3 mRNA. It is a 'silent' change, meaning that it does not change the encoded amino acid sequence of the MOCS3 protein.